The following is an entry in ClinVar:

ClinVar aggregate classification (germline): Uncertain significance. Review status: criteria provided, multiple submitters, no conflicts (2 of 4 stars). 3 submissions from 3 submitters: Uncertain significance (3). Last evaluated 2021-07-14.

Allele frequency attached by ClinVar (database versions not stated): gnomAD exomes 0.00009 and 0.00005; gnomAD 0.00012; TOPMed 0.00012; ESP Exome Variant Server 0.00008.
gnomAD v4.1: 98 of 1,566,960 alleles (0.0063%); highest among the groups gnomAD compares: Middle Eastern, 0.067%; no homozygotes.

Submissions (3):

Ambry Genetics
Classification: Uncertain significance. Last evaluated: 2021-07-14. Review status: criteria provided, single submitter. Criteria: Ambry Variant Classification Scheme 2023. Collection method: clinical testing. Allele origin: germline.

Laboratorio de Genetica e Diagnostico Molecular, Hospital Israelita Albert Einstein
Classification: Uncertain significance. Last evaluated: 2021-04-26. Review status: criteria provided, single submitter. Criteria: ACMG Guidelines, 2015. Collection method: clinical testing. Allele origin: germline. Affected: yes.
Comment: ACMG classification criteria: BP4

Breakthrough Genomics
Classification: Uncertain significance. Review status: criteria provided, single submitter. Criteria: ACMG Guidelines, 2015. Collection method: not provided. Allele origin: germline. Inheritance: Unknown mechanism. Affected: yes.

NM_001103146.3(GIGYF2):c.2604G>A (p.Met868Ile)

Gene: GIGYF2 (GRB10 interacting GYF protein 2; plus strand). Cytogenetic location: 2q37.1.
Variant type: single nucleotide variant.
Coding change: c.2604G>A on transcript NM_001103146.3 (MANE Select); coding-DNA position 2604, G replaced by A.
Protein change: p.Met868Ile; replaces methionine 868 with isoleucine.
Molecular consequence: missense variant. On other transcripts: non-coding transcript variant (1).
Genome position (GRCh38, 1-based): chr2:232,832,931, G>A. VCF-style: chr2-232832931-G-A. GRCh37 (hg19) VCF-style: chr2-233697641-G-A.
Other names: c.2667G>A, p.Met889Ile (NM_001103147.2); c.2586G>A, p.Met862Ile (NM_001103148.2); c.2604G>A, p.Met868Ile (NM_015575.4); c.2604G>A (NM_001103146.1); short protein forms M862I, M868I, M889I.
Identifiers: ClinVar variation 1690574 (VCV001690574.6), dbSNP rs369380236, ClinGen allele CA67004172.